The following is an entry in ClinVar:

NM_003922.4(HERC1):c.637A>G (p.Lys213Glu)

Gene: HERC1 (HECT and RLD domain containing E3 ubiquitin protein ligase family member 1; minus strand). Cytogenetic location: 15q22.31.
Variant type: single nucleotide variant.
Coding change: c.637A>G on transcript NM_003922.4 (MANE Select); coding-DNA position 637, A replaced by G.
Protein change: p.Lys213Glu; replaces lysine 213 with glutamic acid.
Molecular consequence: missense variant.
Genome position (GRCh38, 1-based): chr15:63,774,987, T>C on the plus strand (A>G on the coding strand, the complement: HERC1 is on the minus strand). VCF-style: chr15-63774987-T-C. GRCh37 (hg19) VCF-style: chr15-64067186-T-C.
Other names: short protein forms K213E.
Identifiers: ClinVar variation 3893466 (VCV003893466.2).

ClinVar aggregate classification (germline): Uncertain significance. Review status: criteria provided, multiple submitters, no conflicts (2 of 4 stars). 2 submissions from 2 submitters: Uncertain significance (2). Last evaluated 2025-05-04.

Conditions:
HERC1-related disorder. Also called: HERC1-related condition.

Submissions (2):

PreventionGenetics, part of Exact Sciences
Classification: Uncertain significance for HERC1-related condition. Last evaluated: 2025-05-04. Review status: criteria provided, single submitter. Criteria: ACMG Guidelines, 2015. Collection method: clinical testing. Allele origin: germline.
Comment: The HERC1 c.637A>G variant is predicted to result in the amino acid substitution p.Lys213Glu. To our knowledge, this variant has not been reported in the literature or in a large population database (gnomAD), indicating this variant is rare. At this time, the clinical significance of this variant is uncertain due to the absence of conclusive functional and genetic evidence.

GeneDx
Classification: Uncertain significance. Last evaluated: 2024-10-24. Review status: criteria provided, single submitter. Criteria: GeneDx Variant Classification Process June 2021. Collection method: clinical testing. Allele origin: germline. Affected: yes.
Comment: Not observed at significant frequency in large population cohorts (gnomAD); In silico analysis indicates that this missense variant does not alter protein structure/function; Has not been previously published as pathogenic or benign to our knowledge